The following is an entry in ClinVar:

NM_002180.3(IGHMBP2):c.2374G>A (p.Ala792Thr)

Gene: IGHMBP2 (immunoglobulin mu DNA binding protein 2; plus strand). Cytogenetic location: 11q13.3.
Variant type: single nucleotide variant.
Coding change: c.2374G>A on transcript NM_002180.3 (MANE Select); coding-DNA position 2374, G replaced by A.
Protein change: p.Ala792Thr; replaces alanine 792 with threonine.
Molecular consequence: missense variant.
Genome position (GRCh38, 1-based): chr11:68,936,854, G>A. VCF-style: chr11-68936854-G-A. GRCh37 (hg19) VCF-style: chr11-68704322-G-A.
Other names: short protein forms A792T.
Identifiers: ClinVar variation 1004849 (VCV001004849.6), dbSNP rs766802836, ClinGen allele CA6153898.

ClinVar aggregate classification (germline): Uncertain significance (1 of 4 stars; one submission).

Conditions:
Charcot-Marie-Tooth disease axonal type 2S. Also called: CHARCOT-MARIE-TOOTH NEUROPATHY, TYPE 2S; CHARCOT-MARIE-TOOTH DISEASE, AXONAL, AUTOSOMAL RECESSIVE, TYPE 2S. Identifiers: Orphanet 443073, MedGen C4015349, MONDO:0014511, OMIM 616155.
Autosomal recessive distal spinal muscular atrophy 1. Also called: NEURONOPATHY, DISTAL HEREDITARY MOTOR, HARDING TYPE VI; NEUROPATHY, DISTAL HEREDITARY MOTOR, AUTOSOMAL RECESSIVE 1; Spinal muscular atrophy with respiratory distress 1; HMN VI; NEURONOPATHY, SEVERE INFANTILE AXONAL, WITH RESPIRATORY FAILURE; SEVERE INFANTILE AXONAL NEUROPATHY WITH RESPIRATORY FAILURE. Identifiers: Orphanet 98920, MedGen C1858517, MONDO:0011436, OMIM 604320.

Allele frequency attached by ClinVar (database versions not stated): ExAC below 0.00001; gnomAD exomes below 0.00001; TOPMed below 0.00001.
gnomAD v4.1: 1 of 1,613,184 alleles (0.000062%); highest among the groups gnomAD compares: African/African-American, 0.0013%; no homozygotes.

Submission:

Labcorp Genetics (formerly Invitae), Labcorp
Classification: Uncertain significance for Autosomal recessive distal spinal muscular atrophy 1; Charcot-Marie-Tooth disease axonal type 2S. Last evaluated: 2021-08-31. Review status: criteria provided, single submitter. Criteria: Invitae Variant Classification Sherloc (09022015). Collection method: clinical testing. Allele origin: germline.
Comment: This sequence change replaces alanine with threonine at codon 792 of the IGHMBP2 protein (p.Ala792Thr). The alanine residue is weakly conserved and there is a small physicochemical difference between alanine and threonine. The frequency data for this variant in the population databases is considered unreliable, as metrics indicate poor data quality at this position in the ExAC database. This variant has not been reported in the literature in individuals affected with IGHMBP2-related conditions. Advanced modeling of protein sequence and biophysical properties (such as structural, functional, and spatial information, amino acid conservation, physicochemical variation, residue mobility, and thermodynamic stability) performed at Invitae indicates that this missense variant is not expected to disrupt IGHMBP2 protein function. In summary, the available evidence is currently insufficient to determine the role of this variant in disease. Therefore, it has been classified as a Variant of Uncertain Significance.